The following is an entry in ClinVar:

ClinVar aggregate classification (germline): Uncertain significance (1 of 4 stars; one submission).

Conditions:
Hypertrophic cardiomyopathy 26. Also called: Cardiomyopathy, familial hypertrophic, 26. Identifiers: Orphanet 75249, MedGen C4310749, MONDO:0014883, OMIM 617047.
Myofibrillar myopathy 5. Also called: Filaminopathy (type); FILAMINOPATHY, AUTOSOMAL DOMINANT. Identifiers: Orphanet 171445, MedGen C1836050, MONDO:0012289, OMIM 609524.
Distal myopathy with posterior leg and anterior hand involvement. Also called: WILLIAMS DISTAL MYOPATHY. Identifiers: Orphanet 63273, MedGen C3279722, MONDO:0013550, OMIM 614065.

gnomAD v4.1: 2 of 1,613,844 alleles (0.00012%); highest among the groups gnomAD compares: Non-Finnish European, 0.00017%; no homozygotes.

Submission:

Labcorp Genetics (formerly Invitae), Labcorp
Classification: Uncertain significance for Distal myopathy with posterior leg and anterior hand involvement; Myofibrillar myopathy 5; Hypertrophic cardiomyopathy 26. Last evaluated: 2025-04-13. Review status: criteria provided, single submitter. Criteria: Invitae Variant Classification Sherloc (09022015). Collection method: clinical testing. Allele origin: germline.
Comment: This sequence change replaces tyrosine, which is neutral and polar, with cysteine, which is neutral and slightly polar, at codon 928 of the FLNC protein (p.Tyr928Cys). This variant is not present in population databases (gnomAD no frequency). This variant has not been reported in the literature in individuals affected with FLNC-related conditions. Invitae Evidence Modeling of protein sequence and biophysical properties (such as structural, functional, and spatial information, amino acid conservation, physicochemical variation, residue mobility, and thermodynamic stability) has been performed for this missense variant. However, the output from this modeling did not meet the statistical confidence thresholds required to predict the impact of this variant on FLNC protein function. In summary, the available evidence is currently insufficient to determine the role of this variant in disease. Therefore, it has been classified as a Variant of Uncertain Significance.

NM_001458.5(FLNC):c.2783A>G (p.Tyr928Cys)

Gene: FLNC (filamin C; plus strand). Cytogenetic location: 7q32.1.
Variant type: single nucleotide variant.
Coding change: c.2783A>G on transcript NM_001458.5 (MANE Select); coding-DNA position 2783, A replaced by G.
Protein change: p.Tyr928Cys; replaces tyrosine 928 with cysteine.
Molecular consequence: missense variant.
Genome position (GRCh38, 1-based): chr7:128,843,549, A>G. VCF-style: chr7-128843549-A-G. GRCh37 (hg19) VCF-style: chr7-128483603-A-G.
Other names: c.2783A>G, p.Tyr928Cys (NM_001127487.2); short protein forms Y928C.
Identifiers: ClinVar variation 4812761 (VCV004812761.1).